The following is an entry in ClinVar:

NM_032776.3(JMJD1C):c.*9_*10del

Gene: JMJD1C (jumonji domain containing 1C; minus strand). Cytogenetic location: 10q21.3.
Variant type: Deletion.
Coding change: c.*9_*10del on transcript NM_032776.3 (MANE Select); 9 bases downstream of the stop codon through 10 bases downstream of the stop codon, 2 bases deleted (CA; older notation c.*9_*10delCA).
Molecular consequence: 3 prime UTR variant. On other transcripts: non-coding transcript variant (1).
Genome position (GRCh38, 1-based): chr10:63,168,035-63,168,036, TG deleted on the plus strand (CA on the coding strand, the reverse complement: JMJD1C is on the minus strand). VCF-style (leftmost placement, unchanged base first): chr10-63168034-CTG-C. GRCh37 (hg19) VCF-style: chr10-64927794-CTG-C.
Other names: c.*9_*10del (NM_001282948.2, NM_001318153.2, NM_001318154.2 and 3 more transcripts).
Identifiers: ClinVar variation 3042537 (VCV003042537.2), dbSNP rs752666345, ClinGen allele CA5517606.

ClinVar aggregate classification (germline): Likely benign (0 of 4 stars; one submission).

Conditions:
JMJD1C-related disorder. Also called: JMJD1C-related condition.

Allele frequency attached by ClinVar (database versions not stated): gnomAD 0.00008; gnomAD exomes 0.00008; TOPMed 0.00009; ExAC 0.00017.

Submission:

PreventionGenetics, part of Exact Sciences
Classification: Likely benign for JMJD1C-related condition. Last evaluated: 2019-07-10. Review status: no assertion criteria provided. Collection method: clinical testing. Allele origin: germline.
Comment: This variant is classified as likely benign based on ACMG/AMP sequence variant interpretation guidelines (Richards et al. 2015 PMID: 25741868, with internal and published modifications).